The following is an entry in ClinVar:

NM_002474.3(MYH11):c.2535G>C (p.Leu845=)

Gene: MYH11 (myosin heavy chain 11; minus strand). Cytogenetic location: 16p13.11.
Variant type: single nucleotide variant.
Coding change: c.2535G>C on transcript NM_002474.3 (MANE Select); coding-DNA position 2535, G replaced by C.
Protein change: p.Leu845=; no amino-acid change (leucine 845 retained).
Molecular consequence: synonymous variant.
Genome position (GRCh38, 1-based): chr16:15,741,877, C>G on the plus strand (G>C on the coding strand, the complement: MYH11 is on the minus strand). VCF-style: chr16-15741877-C-G. GRCh37 (hg19) VCF-style: chr16-15835734-C-G.
Other names: c.2556G>C, p.Leu852= (NM_001040113.2, NM_001040114.2); c.2535G>C, p.Leu845= (NM_022844.3); c.2535G>C (NM_002474.2).
Identifiers: ClinVar variation 919518 (VCV000919518.12), dbSNP rs376763868, ClinGen allele CA7922235.

ClinVar aggregate classification (germline): Likely benign. Review status: criteria provided, multiple submitters, no conflicts (2 of 4 stars). 4 submissions from 4 submitters: Likely benign (4). Last evaluated 2025-11-21.

Conditions:
Aortic aneurysm, familial thoracic 4 (AAT4). Also called: AORTIC ANEURYSM/AORTIC DISSECTION AND PATENT DUCTUS ARTERIOSUS. Identifiers: MedGen C1851504, MONDO:0007568, OMIM 132900.
Familial thoracic aortic aneurysm and aortic dissection (TAAD). Also called: Thoracic aortic aneurysms and dissections. Identifiers: Orphanet 91387, MedGen C4707243, MONDO:0019625.

Allele frequency attached by ClinVar (database versions not stated): gnomAD 0.00001; TOPMed 0.00001; ExAC 0.00002; gnomAD exomes 0.00002; ESP Exome Variant Server 0.00008.
gnomAD v4.1: 89 of 1,614,152 alleles (0.0055%); highest among the groups gnomAD compares: Non-Finnish European, 0.0075%; no homozygotes.

Submissions (4):

Labcorp Genetics (formerly Invitae), Labcorp
Classification: Likely benign for Aortic aneurysm, familial thoracic 4. Last evaluated: 2025-11-21. Review status: criteria provided, single submitter. Criteria: Invitae Variant Classification Sherloc (09022015). Collection method: clinical testing. Allele origin: germline.

Ambry Genetics
Classification: Likely benign for Familial thoracic aortic aneurysm and aortic dissection. Last evaluated: 2025-06-09. Review status: criteria provided, single submitter. Criteria: Ambry Variant Classification Scheme 2023. Collection method: clinical testing. Allele origin: germline.

All of Us Research Program, National Institutes of Health
Classification: Likely benign for Familial thoracic aortic aneurysm and aortic dissection. Last evaluated: 2023-11-02. Review status: criteria provided, single submitter. Criteria: ACMG Guidelines, 2015. Collection method: clinical testing. Allele origin: germline. Inheritance: Autosomal dominant inheritance. Observed: 4 variant alleles, 4 heterozygotes.
Comment: This study involves interpretation of variants in research participants for the purpose of population health screening. Participant phenotype was not available at the time of variant classification. Additional details can be found in publication PMID: 35346344, PMCID: PMC8962531

Color Diagnostics, LLC DBA Color Health
Classification: Likely benign for Familial thoracic aortic aneurysm and aortic dissection. Last evaluated: 2019-04-06. Review status: criteria provided, single submitter. Criteria: ACMG Guidelines, 2015. Collection method: clinical testing. Allele origin: germline.